The following is an entry in ClinVar:

NM_177438.3(DICER1):c.4074C>A (p.Arg1358=)

Gene: DICER1 (dicer 1, ribonuclease III; minus strand). Cytogenetic location: 14q32.13.
Variant type: single nucleotide variant.
Coding change: c.4074C>A on transcript NM_177438.3 (MANE Select); coding-DNA position 4074, C replaced by A.
Protein change: p.Arg1358=; no amino-acid change (arginine 1358 retained).
Molecular consequence: synonymous variant.
Genome position (GRCh38, 1-based): chr14:95,099,912, G>T on the plus strand (C>A on the coding strand, the complement: DICER1 is on the minus strand). VCF-style: chr14-95099912-G-T. GRCh37 (hg19) VCF-style: chr14-95566249-G-T.
Other names: c.4074C>A, p.Arg1358= (NM_001195573.1, NM_001271282.3, NM_001291628.2 and 1 more transcripts).
Identifiers: ClinVar variation 417120 (VCV000417120.14), dbSNP rs1060504986, ClinGen allele CA16614319.
Genomic context (GRCh38, chr14:95,099,912, plus strand): 5'-CACAGGGGGATCAAATATTGACACCACCATGCGGCTGGGTAGTCCCTTCTTTTTTCCAAG[G>T]CGATACAGATTACAGTTGCTGACCTTTAGCAGAAAATATTAGGATACTTATCCATAAATG-3'
Protein context (NP_803187.1, residues 1348-1368): SKKVSNCNLY[Arg1358=]LGKKKGLPSR

ClinVar aggregate classification (germline): Benign/Likely benign. Review status: criteria provided, multiple submitters, no conflicts (2 of 4 stars). 4 submissions from 4 submitters: Benign (1); Likely benign (3). Last evaluated 2026-04-17.

Conditions:
DICER1-related tumor predisposition. Also called: DICER1-related pleuropulmonary blastoma cancer predisposition syndrome; DICER1 syndrome. Identifiers: Orphanet 284343, MedGen C3839822, MONDO:0100216.
Hereditary cancer-predisposing syndrome. Also called: Hereditary Cancer Syndrome; Neoplastic Syndromes, Hereditary; Hereditary neoplastic syndrome; Tumor predisposition. Identifiers: Orphanet 140162, MedGen C0027672, MeSH D009386, MONDO:0015356.

Allele frequency attached by ClinVar (database versions not stated): TOPMed below 0.00001; gnomAD 0.00001; gnomAD exomes below 0.00001.
gnomAD v4.1: 2 of 1,613,866 alleles (0.00012%); highest among the groups gnomAD compares: East Asian, 0.0022%; no homozygotes.

Submissions (4):

Myriad Genetics, Inc.
Classification: Benign for DICER1-related tumor predisposition. Last evaluated: 2026-04-17. Review status: criteria provided, single submitter. Criteria: Myriad Autosomal Dominant, Autosomal Recessive and X-Linked Classification Criteria (2023). Collection method: clinical testing. Allele origin: unknown.
Comment: This variant is considered benign. This variant is a silent/synonymous amino acid change and it is not expected to impact splicing.

Center for Genomic Medicine, Rigshospitalet, Copenhagen University Hospital
Classification: Likely benign. Last evaluated: 2025-12-29. Review status: criteria provided, single submitter. Criteria: ACMG Guidelines, 2015. Collection method: clinical testing. Allele origin: germline.

Labcorp Genetics (formerly Invitae), Labcorp
Classification: Likely benign for DICER1-related tumor predisposition. Last evaluated: 2025-06-29. Review status: criteria provided, single submitter. Criteria: Invitae Variant Classification Sherloc (09022015). Collection method: clinical testing. Allele origin: germline.

Ambry Genetics
Classification: Likely benign for Hereditary cancer-predisposing syndrome. Last evaluated: 2024-10-13. Review status: criteria provided, single submitter. Criteria: Ambry Variant Classification Scheme 2023. Collection method: clinical testing. Allele origin: germline.